The following is an entry in ClinVar:

ClinVar aggregate classification (germline): Pathogenic (1 of 4 stars; one submission).

Conditions:
Kleefstra syndrome 1 (KLEFS1). Identifiers: Orphanet 261494, MedGen C0795833, MONDO:0027407, OMIM 610253.

Submission:

Clinical Genetics Center, Xinhua Hospital affiliated to Shanghai Jiao Tong University School of Medicine
Classification: Pathogenic for Kleefstra syndrome 1. Last evaluated: 2024-11-01. Review status: criteria provided, single submitter. Criteria: ACMG Guidelines, 2015. Collection method: clinical testing. Allele origin: de novo. Affected: yes.
Comment: PVS1+PM6+PM2_Supporting

NM_024757.5(EHMT1):c.2041_2047dup (p.Asp683fs)

Gene: EHMT1 (euchromatic histone lysine methyltransferase 1; plus strand). Cytogenetic location: 9q34.3.
Variant type: Duplication.
Coding change: c.2041_2047dup on transcript NM_024757.5 (MANE Select); coding-DNA positions 2041 to 2047, 7 bases duplicated (GAGGACG; older notation c.2041_2047dupGAGGACG).
Protein change: p.Asp683fs; shifts the reading frame from aspartic acid 683.
Molecular consequence: frameshift variant.
Genome position (GRCh38, 1-based): chr9:137,777,904-137,777,910, GAGGACG duplicated; duplicating any 7 consecutive bases within chr9:137,777,902-137,777,910 gives the same sequence; the c. name uses the placement nearest the transcript's 3' end. VCF-style (leftmost placement, unchanged base first): chr9-137777901-T-TCGGAGGA. GRCh37 (hg19) VCF-style: chr9-140672353-T-TCGGAGGA.
Other names: c.2041_2047dup, p.Asp683fs (NM_001145527.2); c.1948_1954dup, p.Asp652fs (NM_001354259.2); c.2020_2026dup, p.Asp676fs (NM_001354263.2); short protein forms D652fs, D676fs, D683fs.
Identifiers: ClinVar variation 3391431 (VCV003391431.1).